The following is an entry in ClinVar:

NM_021831.6(AGBL5):c.176G>A (p.Arg59Gln)

Gene: AGBL5 (AGBL carboxypeptidase 5; plus strand). Cytogenetic location: 2p23.3.
Variant type: single nucleotide variant.
Coding change: c.176G>A on transcript NM_021831.6 (MANE Select); coding-DNA position 176, G replaced by A.
Protein change: p.Arg59Gln; replaces arginine 59 with glutamine.
Molecular consequence: missense variant. On other transcripts: non-coding transcript variant (2).
Genome position (GRCh38, 1-based): chr2:27,053,134, G>A. VCF-style: chr2-27053134-G-A. GRCh37 (hg19) VCF-style: chr2-27276002-G-A.
Other names: c.176G>A, p.Arg59Gln (NM_001035507.3); short protein forms R59Q.
Identifiers: ClinVar variation 942994 (VCV000942994.9), dbSNP rs909236165, ClinGen allele CA44463908.

ClinVar aggregate classification (germline): Uncertain significance (1 of 4 stars; one submission).

Allele frequency attached by ClinVar (database versions not stated): gnomAD 0.00002; TOPMed 0.00002.

Submission:

Labcorp Genetics (formerly Invitae), Labcorp
Classification: Uncertain significance. Last evaluated: 2022-09-19. Review status: criteria provided, single submitter. Criteria: Invitae Variant Classification Sherloc (09022015). Collection method: clinical testing. Allele origin: germline.
Comment: This sequence change replaces arginine, which is basic and polar, with glutamine, which is neutral and polar, at codon 59 of the AGBL5 protein (p.Arg59Gln). This variant is not present in population databases (gnomAD no frequency). This variant has not been reported in the literature in individuals affected with AGBL5-related conditions. ClinVar contains an entry for this variant (Variation ID: 942994). Algorithms developed to predict the effect of missense changes on protein structure and function (SIFT, PolyPhen-2, Align-GVGD) all suggest that this variant is likely to be tolerated. In summary, the available evidence is currently insufficient to determine the role of this variant in disease. Therefore, it has been classified as a Variant of Uncertain Significance.